The following is an entry in ClinVar:

ClinVar aggregate classification (germline): Likely pathogenic (1 of 4 stars; one submission).

Conditions:
Dilated cardiomyopathy 1G (CMD1G). Identifiers: Orphanet 154, MedGen C1858763, MONDO:0011400, OMIM 604145.
Autosomal recessive limb-girdle muscular dystrophy type 2J (LGMDR10). Also called: Limb-girdle muscular dystrophy, type 2J; MUSCULAR DYSTROPHY, LIMB-GIRDLE, AUTOSOMAL RECESSIVE 10. Identifiers: Orphanet 140922, MedGen C1837342, MONDO:0012127, OMIM 608807.

Submission:

Labcorp Genetics (formerly Invitae), Labcorp
Classification: Likely pathogenic for Dilated cardiomyopathy 1G; Autosomal recessive limb-girdle muscular dystrophy type 2J. Last evaluated: 2024-06-30. Review status: criteria provided, single submitter. Criteria: Invitae Variant Classification Sherloc (09022015). Collection method: clinical testing. Allele origin: germline.
Comment: This sequence change creates a premature translational stop signal (p.Ser29365Alafs*36) in the TTN gene. While this is not anticipated to result in nonsense mediated decay, it is expected to create a truncated TTN protein. This variant is not present in population databases (gnomAD no frequency). This variant has not been reported in the literature in individuals affected with TTN-related conditions. This variant is located in the A band of TTN (PMID: 25589632). Truncating variants in this region are significantly overrepresented in patients affected with dilated cardiomyopathy (PMID: 25589632). Truncating variants in this region have also been reported in individuals affected with autosomal recessive centronuclear myopathy (PMID: 23975875). In summary, the currently available evidence indicates that the variant is pathogenic, but additional data are needed to prove that conclusively. Therefore, this variant has been classified as Likely Pathogenic.

Literature cited by the submitters: PubMed 25589632; PubMed 23975875.

NM_001267550.2(TTN):c.88093del (p.Ser29365fs)

Genes: TTN (titin; minus strand), TTN-AS1 (TTN antisense RNA 1; plus strand). Cytogenetic location: 2q31.2.
Variant type: Deletion.
Coding change: c.88093del on transcript NM_001267550.2 (MANE Select); coding-DNA position 88093, one base deleted (A; older notation c.88093delA).
Protein change: p.Ser29365fs; shifts the reading frame from serine 29365.
Molecular consequence: frameshift variant.
Genome position (GRCh38, 1-based): chr2:178,557,061, T deleted on the plus strand (A on the coding strand, the reverse complement: TTN is on the minus strand). VCF-style (leftmost placement, unchanged base first): chr2-178557060-CT-C. GRCh37 (hg19) VCF-style: chr2-179421787-CT-C.
Other names: c.83170del, p.Ser27724fs (NM_001256850.1); c.60898del, p.Ser20300fs (NM_003319.4); c.80389del, p.Ser26797fs (NM_133378.4); c.61273del, p.Ser20425fs (NM_133432.3); c.61474del, p.Ser20492fs (NM_133437.4); short protein forms S20300fs, S20425fs, S20492fs, S26797fs, S27724fs, S29365fs.
Identifiers: ClinVar variation 3757053 (VCV003757053.2).